The following is an entry in ClinVar:

ClinVar aggregate classification (germline): Likely benign. Review status: criteria provided, multiple submitters, no conflicts (2 of 4 stars). 2 submissions from 2 submitters: Likely benign (2). Last evaluated 2018-01-13.

Conditions:
Short-rib thoracic dysplasia 6 with or without polydactyly (SRTD6). Also called: POLYDACTYLY WITH NEONATAL CHONDRODYSTROPHY, TYPE II; Majewski Syndrome; SHORT RIB-POLYDACTYLY SYNDROME, TYPE IIA; SHORT-RIB THORACIC DYSPLASIA 6 WITH POLYDACTYLY; SHORT-RIB THORACIC DYSPLASIA 6 WITHOUT POLYDACTYLY. Identifiers: MedGen C0024507, MONDO:0009894, OMIM 263520.

Allele frequency attached by ClinVar (database versions not stated): 1000 Genomes Project 0.00559; 1000 Genomes Project 30x 0.00578; gnomAD 0.01047 and 0.01094; TOPMed 0.01076.

Submissions (2):

Illumina Laboratory Services, Illumina
Classification: Likely benign for Short-rib thoracic dysplasia 6 with or without polydactyly. Last evaluated: 2018-01-13. Review status: criteria provided, single submitter. Criteria: ICSL Variant Classification Criteria 13 December 2019. Collection method: clinical testing. Allele origin: germline.
Comment: This variant was observed in the ICSL laboratory as part of a predisposition screen in an ostensibly healthy population. It had not been previously curated by ICSL or reported in the Human Gene Mutation Database (HGMD: prior to June 1st, 2018), and was therefore a candidate for classification through an automated scoring system. Utilizing variant allele frequency, disease prevalence and penetrance estimates, and inheritance mode, an automated score was calculated to assess if this variant is too frequent to cause the disease. Based on the score and internal cut-off values, a variant classified as likely benign is not then subjected to further curation. The score for this variant resulted in a classification of likely benign for this disease.

Breakthrough Genomics
Classification: Likely benign. Review status: criteria provided, single submitter. Criteria: ACMG Guidelines, 2015. Collection method: not provided. Allele origin: germline. Inheritance: Autosomal recessive inheritance. Affected: yes.

NM_001199397.3(NEK1):c.-488C>T

Gene: NEK1 (NIMA related kinase 1; minus strand). Cytogenetic location: 4q33.
Variant type: single nucleotide variant.
Coding change: c.-488C>T on transcript NM_001199397.3 (MANE Select); 488 bases upstream of the start codon, C replaced by T.
Molecular consequence: 5 prime UTR variant. On other transcripts: non-coding transcript variant (2).
Genome position (GRCh38, 1-based): chr4:169,612,537, G>A on the plus strand (C>T on the coding strand, the complement: NEK1 is on the minus strand). VCF-style: chr4-169612537-G-A. GRCh37 (hg19) VCF-style: chr4-170533688-G-A.
Other names: c.-488C>T (NM_001199398.3, NM_001199399.3, NM_001374419.1 and 3 more transcripts); c.-566C>T (NM_001199400.3, NM_001374418.1, NM_001374423.1 and 1 more transcripts).
Identifiers: ClinVar variation 348130 (VCV000348130.6), dbSNP rs62334514, ClinGen allele CA10617410.